The following is an entry in ClinVar:

ClinVar aggregate classification (germline): Uncertain significance (1 of 4 stars; one submission).

Allele frequency attached by ClinVar (database versions not stated): gnomAD exomes below 0.00001.
gnomAD v4.1: 2 of 1,614,198 alleles (0.00012%); highest among the groups gnomAD compares: Middle Eastern, 0.016%; no homozygotes.

Submission:

CeGaT Center for Human Genetics Tuebingen
Classification: Uncertain significance. Last evaluated: 2024-01-01. Review status: criteria provided, single submitter. Criteria: CeGaT Center For Human Genetics Tuebingen Variant Classification Criteria Version 2. Collection method: clinical testing. Allele origin: germline. Affected: yes. Observed: 1 variant allele.
Comment: PLA2G6: PM2, BP4

NM_003560.4(PLA2G6):c.85G>A (p.Val29Met)

Gene: PLA2G6 (phospholipase A2 group VI; minus strand). Cytogenetic location: 22q13.1.
Variant type: single nucleotide variant.
Coding change: c.85G>A on transcript NM_003560.4 (MANE Select); coding-DNA position 85, G replaced by A.
Protein change: p.Val29Met; replaces valine 29 with methionine.
Molecular consequence: missense variant. On other transcripts: 5 prime UTR variant (3).
Genome position (GRCh38, 1-based): chr22:38,169,342, C>T on the plus strand (G>A on the coding strand, the complement: PLA2G6 is on the minus strand). VCF-style: chr22-38169342-C-T. GRCh37 (hg19) VCF-style: chr22-38565349-C-T.
Other names: c.85G>A, p.Val29Met (NM_001004426.3, NM_001199562.3, NM_001349864.2 and 2 more transcripts); c.-581G>A (NM_001349867.2, NM_001349869.2); c.-406G>A (NM_001349868.2); short protein forms V29M.
Identifiers: ClinVar variation 3025805 (VCV003025805.22), dbSNP rs2518164886, ClinGen allele CA411521005.